The following is an entry in ClinVar:

ClinVar aggregate classification (germline): Benign/Likely benign. Review status: criteria provided, multiple submitters, no conflicts (2 of 4 stars). 8 submissions from 7 submitters: Benign (6); Likely benign (2). Last evaluated 2026-02-01.

Conditions:
Kidney disorder. Also called: renal disease; Kidney disease; Kidney Diseases; Nephropathy; renal disorder. Identifiers: MedGen C0022658, MONDO:0005240, HP:0000112.
Nephronophthisis. Also called: Juvenile Nephronophthisis. Identifiers: Orphanet 655, MedGen C0687120, MONDO:0019005, HP:0000090.
Senior-Loken syndrome 4 (SLSN4). Identifiers: Orphanet 3156, MedGen C1846979, MONDO:0011756, OMIM 606996.
Nephronophthisis 4 (NPHP4). Also called: NEPHRONOPHTHISIS 4, JUVENILE. Identifiers: Orphanet 655, MedGen C1847013, MONDO:0011752, OMIM 606966.

Allele frequency attached by ClinVar (database versions not stated): ESP Exome Variant Server 0.01126; 1000 Genomes Project 0.00439; gnomAD 0.00963 and 0.00982; ExAC 0.01256; gnomAD exomes 0.00930; 1000 Genomes Project 30x 0.00468; TOPMed 0.00969.
gnomAD v4.1: 24,191 of 1,605,318 alleles (1.5%); highest among the groups gnomAD compares: Non-Finnish European, 1.9%; 233 homozygotes.

Submissions (19):

Labcorp Genetics (formerly Invitae), Labcorp
Classification: Benign for Nephronophthisis. Last evaluated: 2026-02-01. Review status: criteria provided, single submitter. Criteria: Invitae Variant Classification Sherloc (09022015). Collection method: clinical testing. Allele origin: germline.

Blueprint Genetics
Classification: Likely benign. Last evaluated: 2024-11-25. Review status: criteria provided, single submitter. Criteria: ACMG Guidelines, 2015. Collection method: clinical testing. Allele origin: germline.

Illumina Laboratory Services, Illumina
Classification: Benign for Senior-Loken syndrome 4. Last evaluated: 2018-01-12. Review status: criteria provided, single submitter. Criteria: ICSL Variant Classification Criteria 13 December 2019. Collection method: clinical testing. Allele origin: germline.
Comment: This variant was observed in the ICSL laboratory as part of a predisposition screen in an ostensibly healthy population. It had not been previously curated by ICSL or reported in the Human Gene Mutation Database (HGMD: prior to June 1st, 2018), and was therefore a candidate for classification through an automated scoring system. Utilizing variant allele frequency, disease prevalence and penetrance estimates, and inheritance mode, an automated score was calculated to assess if this variant is too frequent to cause the disease. Based on the score and internal cut-off values, a variant classified as benign is not then subjected to further curation. The score for this variant resulted in a classification of benign for this disease.

Illumina Laboratory Services, Illumina
Classification: Benign for Nephronophthisis 4. Last evaluated: 2018-01-12. Review status: criteria provided, single submitter. Criteria: ICSL Variant Classification Criteria 13 December 2019. Collection method: clinical testing. Allele origin: germline.
Comment: the same text as in the submission from Illumina Laboratory Services, Illumina above.

Genome Diagnostics Laboratory, The Hospital for Sick Children
Classification: Likely benign for Kidney disorder. Last evaluated: 2016-12-12. Review status: criteria provided, single submitter. Criteria: ACMG Guidelines, 2015. Collection method: clinical testing. Allele origin: germline.

Eurofins Ntd Llc (ga)
Classification: Benign. Last evaluated: 2013-04-11. Review status: criteria provided, single submitter. Criteria: EGL Classification Definitions 2015. Collection method: clinical testing. Allele origin: germline. Observed: 2 variant alleles, 2 heterozygotes.

Breakthrough Genomics
Classification: Benign. Review status: criteria provided, single submitter. Criteria: ACMG Guidelines, 2015. Collection method: not provided. Allele origin: germline. Inheritance: Autosomal recessive inheritance. Affected: yes.

PreventionGenetics, part of Exact Sciences
Classification: Benign. Review status: criteria provided, single submitter. Criteria: ACMG Guidelines, 2015. Collection method: clinical testing. Allele origin: germline.

Dr. Peter K. Rogan Lab, Western University
No classification provided (evidence only). Condition: Lung cancer. Review status: no classification provided. Collection method: in vitro. Allele origin: not applicable. Functional consequence: retained intron. Not counted in ClinVar's aggregate classification.

Dr. Peter K. Rogan Lab, Western University
No classification provided (evidence only). Condition: Colon adenocarcinoma. Review status: no classification provided. Collection method: in vitro. Allele origin: not applicable. Functional consequence: skipped exon. Not counted in ClinVar's aggregate classification.

Dr. Peter K. Rogan Lab, Western University
No classification provided (evidence only). Condition: Colon adenocarcinoma. Review status: no classification provided. Collection method: in vitro. Allele origin: not applicable. Functional consequence: retained intron. Not counted in ClinVar's aggregate classification.

Dr. Peter K. Rogan Lab, Western University
No classification provided (evidence only). Condition: Colorectal cancer. Review status: no classification provided. Collection method: in vitro. Allele origin: not applicable. Functional consequence: retained intron. Not counted in ClinVar's aggregate classification.

Dr. Peter K. Rogan Lab, Western University
No classification provided (evidence only). Condition: Colorectal cancer. Review status: no classification provided. Collection method: in vitro. Allele origin: not applicable. Functional consequence: retained intron. Not counted in ClinVar's aggregate classification.

Dr. Peter K. Rogan Lab, Western University
No classification provided (evidence only). Condition: Sarcoma. Review status: no classification provided. Collection method: in vitro. Allele origin: not applicable. Functional consequence: skipped exon, retained intron. Not counted in ClinVar's aggregate classification.

Dr. Peter K. Rogan Lab, Western University
No classification provided (evidence only). Condition: Nonpapillary renal cell carcinoma. Review status: no classification provided. Collection method: in vitro. Allele origin: not applicable. Functional consequence: retained intron. Not counted in ClinVar's aggregate classification.

Dr. Peter K. Rogan Lab, Western University
No classification provided (evidence only). Condition: Thymoma. Review status: no classification provided. Collection method: in vitro. Allele origin: not applicable. Functional consequence: retained intron. Not counted in ClinVar's aggregate classification.

Dr. Peter K. Rogan Lab, Western University
No classification provided (evidence only). Condition: Gastric cancer. Review status: no classification provided. Collection method: in vitro. Allele origin: not applicable. Functional consequence: retained intron. Not counted in ClinVar's aggregate classification.

Dr. Peter K. Rogan Lab, Western University
No classification provided (evidence only). Condition: Uterine carcinosarcoma. Review status: no classification provided. Collection method: in vitro. Allele origin: not applicable. Functional consequence: retained intron. Not counted in ClinVar's aggregate classification.

Dr. Peter K. Rogan Lab, Western University
No classification provided (evidence only). Condition: Malignant tumor of esophagus. Review status: no classification provided. Collection method: in vitro. Allele origin: not applicable. Functional consequence: retained intron. Not counted in ClinVar's aggregate classification.

NM_015102.5(NPHP4):c.3876C>T (p.Gly1292=)

Gene: NPHP4 (nephrocystin 4; minus strand). Cytogenetic location: 1p36.31.
Variant type: single nucleotide variant.
Coding change: c.3876C>T on transcript NM_015102.5 (MANE Select); coding-DNA position 3876, C replaced by T.
Protein change: p.Gly1292=; no amino-acid change (glycine 1292 retained).
Molecular consequence: synonymous variant. On other transcripts: non-coding transcript variant (1).
Genome position (GRCh38, 1-based): chr1:5,864,458, G>A on the plus strand (C>T on the coding strand, the complement: NPHP4 is on the minus strand). VCF-style: chr1-5864458-G-A. GRCh37 (hg19) VCF-style: chr1-5924518-G-A.
Other names: c.2337C>T, p.Gly779= (NM_001291593.2); c.2340C>T, p.Gly780= (NM_001291594.2).
Identifiers: ClinVar variation 95685 (VCV000095685.25), dbSNP rs115526767, ClinGen allele CA345432.